The following is an entry in ClinVar:

ClinVar aggregate classification (germline): Pathogenic (1 of 4 stars; one submission).

Allele frequency attached by ClinVar (database versions not stated): gnomAD exomes below 0.00001; TOPMed below 0.00001; ExAC 0.00001; ESP Exome Variant Server 0.00016.

Submission:

Labcorp Genetics (formerly Invitae), Labcorp
Classification: Pathogenic. Last evaluated: 2023-03-17. Review status: criteria provided, single submitter. Criteria: Invitae Variant Classification Sherloc (09022015). Collection method: clinical testing. Allele origin: germline.
Comment: For these reasons, this variant has been classified as Pathogenic. This variant has not been reported in the literature in individuals affected with SLC5A5-related conditions. This variant is present in population databases (rs754975346, gnomAD 0.0009%). This sequence change creates a premature translational stop signal (p.Ala151Glyfs*41) in the SLC5A5 gene. It is expected to result in an absent or disrupted protein product. Loss-of-function variants in SLC5A5 are known to be pathogenic (PMID: 9388506, 9486973).

Literature cited by the submitters: PubMed 9388506; PubMed 9486973.

NM_000453.3(SLC5A5):c.451dup (p.Ala151fs)

Gene: SLC5A5 (solute carrier family 5 member 5; plus strand). Cytogenetic location: 19p13.11.
Variant type: Duplication.
Coding change: c.451dup on transcript NM_000453.3 (MANE Select); coding-DNA position 451, one base duplicated (G; older notation c.451dupG).
Protein change: p.Ala151fs; shifts the reading frame from alanine 151.
Molecular consequence: frameshift variant.
Genome position (GRCh38, 1-based): chr19:17,874,521, G duplicated. VCF-style (leftmost placement, unchanged base first): chr19-17874520-C-CG. GRCh37 (hg19) VCF-style: chr19-17985329-C-CG.
Other names: short protein forms A151fs.
Identifiers: ClinVar variation 2884395 (VCV002884395.3), dbSNP rs754975346, ClinGen allele CA9302747.